The following is an entry in ClinVar:

NM_000038.6(APC):c.8322T>A (p.Ser2774Arg)

Gene: APC (APC regulator of Wnt signaling pathway; plus strand). Cytogenetic location: 5q22.2.
Variant type: single nucleotide variant.
Coding change: c.8322T>A on transcript NM_000038.6 (MANE Select); coding-DNA position 8322, T replaced by A.
Protein change: p.Ser2774Arg; replaces serine 2774 with arginine.
Molecular consequence: missense variant. On other transcripts: non-coding transcript variant (2).
Genome position (GRCh38, 1-based): chr5:112,843,916, T>A. VCF-style: chr5-112843916-T-A. GRCh37 (hg19) VCF-style: chr5-112179613-T-A.
Other names: c.8322T>A, p.Ser2774Arg (NM_001127510.3, NM_001354895.2, NM_001407450.1); c.8268T>A, p.Ser2756Arg (NM_001127511.3); c.8376T>A, p.Ser2792Arg (NM_001354896.2, NM_001407447.1, NM_001407448.1 and 1 more transcripts); c.8352T>A, p.Ser2784Arg (NM_001354897.2); c.8247T>A, p.Ser2749Arg (NM_001354898.2); c.8238T>A, p.Ser2746Arg (NM_001354899.2); c.8199T>A, p.Ser2733Arg (NM_001354900.2); c.8145T>A, p.Ser2715Arg (NM_001354901.2, NM_001407453.1); and 12 more; short protein forms S2614R, S2645R, S2683R, S2767R, S2802R, S2491R, S2673R, S2749R.
Identifiers: ClinVar variation 2875711 (VCV002875711.5), dbSNP rs2533859504, ClinGen allele CA16039390.

ClinVar aggregate classification (germline): Uncertain significance. Review status: criteria provided, multiple submitters, no conflicts (2 of 4 stars). 3 submissions from 3 submitters: Uncertain significance (3). Last evaluated 2025-09-14.

Conditions:
Hereditary cancer-predisposing syndrome. Also called: Neoplastic Syndromes, Hereditary; Hereditary Cancer Syndrome; Hereditary neoplastic syndrome; Tumor predisposition. Identifiers: Orphanet 140162, MedGen C0027672, MeSH D009386, MONDO:0015356.
Familial adenomatous polyposis 1 (FAP1). Also called: FAMILIAL ADENOMATOUS POLYPOSIS 1, ATTENUATED; POLYPOSIS, ADENOMATOUS INTESTINAL. Identifiers: MedGen C2713442, MONDO:0021056, OMIM 175100. Disease mechanism: loss of function.

Allele frequency attached by ClinVar (database versions not stated): gnomAD exomes below 0.00001.
gnomAD v4.1: 1 of 1,613,184 alleles (0.000062%); highest among the groups gnomAD compares: Non-Finnish European, 0.000085%; no homozygotes.

Submissions (3):

Color Diagnostics, LLC DBA Color Health
Classification: Uncertain significance for Hereditary cancer-predisposing syndrome. Last evaluated: 2025-09-14. Review status: criteria provided, single submitter. Criteria: ACMG Guidelines, 2015. Collection method: clinical testing. Allele origin: germline.
Comment: This missense variant replaces serine with arginine at codon 2774 of the APC protein. Computational prediction suggests that this variant may not impact protein structure and function. To our knowledge, functional studies have not been reported for this variant. This variant has not been reported in individuals affected with APC-related disorders in the literature. This variant has not been identified in the general population by the Genome Aggregation Database (gnomAD). The available evidence is insufficient to determine the role of this variant in disease conclusively. Therefore, this variant is classified as a Variant of Uncertain Significance.

Ambry Genetics
Classification: Uncertain significance for Hereditary cancer-predisposing syndrome. Last evaluated: 2025-03-15. Review status: criteria provided, single submitter. Criteria: Ambry Variant Classification Scheme 2023. Collection method: clinical testing. Allele origin: germline.
Comment: The p.S2774R variant (also known as c.8322T>A), located in coding exon 15 of the APC gene, results from a T to A substitution at nucleotide position 8322. The serine at codon 2774 is replaced by arginine, an amino acid with dissimilar properties. This amino acid position is conserved. In addition, in silico predictors for this gene do not accurately predict pathogenicity. Based on the available evidence, the clinical significance of this variant remains unclear.

Labcorp Genetics (formerly Invitae), Labcorp
Classification: Uncertain significance for Familial adenomatous polyposis 1. Last evaluated: 2024-05-28. Review status: criteria provided, single submitter. Criteria: Invitae Variant Classification Sherloc (09022015). Collection method: clinical testing. Allele origin: germline.
Comment: This sequence change replaces serine, which is neutral and polar, with arginine, which is basic and polar, at codon 2774 of the APC protein (p.Ser2774Arg). This variant is not present in population databases (gnomAD no frequency). This variant has not been reported in the literature in individuals affected with APC-related conditions. Advanced modeling of protein sequence and biophysical properties (such as structural, functional, and spatial information, amino acid conservation, physicochemical variation, residue mobility, and thermodynamic stability) performed at Invitae indicates that this missense variant is not expected to disrupt APC protein function with a negative predictive value of 95%. In summary, the available evidence is currently insufficient to determine the role of this variant in disease. Therefore, it has been classified as a Variant of Uncertain Significance.